The following is an entry in ClinVar:

ClinVar aggregate classification (germline): Uncertain significance. Review status: reviewed by expert panel (3 of 4 stars). 3 submissions from 3 submitters: Uncertain significance (1). 2 of the submissions do not count toward it. Last evaluated 2024-11-13.

Conditions:
Inborn genetic diseases. Identifiers: MedGen C0950123, MeSH D030342.
Hereditary thrombocytopenia and hematological cancer predisposition syndrome associated with RUNX1. Also called: PLATELET DISORDER, ASPIRIN-LIKE; Familial Platelet Disorder with Propensity to Acute Myelogenous Leukemia; Familial thrombocytopenia with propensity to acute myelogenous leukemia; RUNX1 Familial Platelet Disorder with Associated Myeloid Malignancies. Identifiers: Orphanet 71290, MedGen C1832388, MeSH C563324, MONDO:0100083, OMIM 601399.
Hereditary thrombocytopenia and hematologic cancer predisposition syndrome. Identifiers: Orphanet 71290, MedGen CN281654, MONDO:0011071.

Allele frequency attached by ClinVar (database versions not stated): gnomAD exomes below 0.00001 and 0.00003; TOPMed 0.00001; ExAC 0.00002; gnomAD 0.00004.
gnomAD v4.1: 31 of 1,098,160 alleles (0.0028%); highest among the groups gnomAD compares: African/African-American, 0.0049%; no homozygotes.

Submissions (3):

ClinGen Myeloid Malignancy Variant Curation Expert Panel
Classification: Uncertain significance for Hereditary thrombocytopenia and hematologic cancer predisposition syndrome. Last evaluated: 2024-11-13. Review status: reviewed by expert panel. Criteria: ClinGen MyeloMalig ACMG Specifications v2. Collection method: curation. Allele origin: germline. Inheritance: Autosomal dominant inheritance.
Comment: NM_001754.5(RUNX1):c.614-3T>C is an intronic variant which has a SpliceAI score ≤ 0.20 (0.01) (BP4). In summary, the clinical significance of this variant is uncertain. ACMG/AMP criteria applied, as specified by the Myeloid Malignancy Variant Curation Expert Panel for RUNX1: BP4

Labcorp Genetics (formerly Invitae), Labcorp
Classification: Likely benign for Hereditary thrombocytopenia and hematological cancer predisposition syndrome associated with RUNX1. Last evaluated: 2025-11-03. Review status: criteria provided, single submitter. Criteria: Invitae Variant Classification Sherloc (09022015). Collection method: clinical testing. Allele origin: germline. Not counted in ClinVar's aggregate classification.

Ambry Genetics
Classification: Uncertain significance for Inborn genetic diseases. Last evaluated: 2025-01-10. Review status: criteria provided, single submitter. Criteria: Ambry Variant Classification Scheme 2023. Collection method: clinical testing. Allele origin: germline. Not counted in ClinVar's aggregate classification.
Comment: The c.614-3T>C intronic variant results from a T to C substitution 3 nucleotides upstream from coding exon 6 in the RUNX1 gene. This nucleotide position is well conserved in available vertebrate species. In silico splice site analysis predicts that this alteration will not have any significant effect on splicing. Based on the available evidence, the clinical significance of this variant remains unclear.

NM_001754.5(RUNX1):c.614-3T>C

Gene: RUNX1 (RUNX family transcription factor 1; minus strand). Cytogenetic location: 21q22.12.
Variant type: single nucleotide variant.
Coding change: c.614-3T>C on transcript NM_001754.5 (MANE Select); 3 bases into the intron before coding-DNA position 614, T replaced by C.
Molecular consequence: intron variant.
Genome position (GRCh38, 1-based): chr21:34,834,604, A>G on the plus strand (T>C on the coding strand, the complement: RUNX1 is on the minus strand). VCF-style: chr21-34834604-A-G. GRCh37 (hg19) VCF-style: chr21-36206901-A-G.
Other names: c.533-3T>C (NM_001001890.3, NM_001122607.2).
Identifiers: ClinVar variation 463998 (VCV000463998.11), dbSNP rs762247645, ClinGen allele CA10014391.